The following is an entry in ClinVar:

NM_001242896.3(DEPDC5):c.140A>G (p.Glu47Gly)

Gene: DEPDC5 (DEP domain containing 5, GATOR1 subcomplex subunit; plus strand). Cytogenetic location: 22q12.2.
Variant type: single nucleotide variant.
Coding change: c.140A>G on transcript NM_001242896.3 (MANE Select); coding-DNA position 140, A replaced by G.
Protein change: p.Glu47Gly; replaces glutamic acid 47 with glycine.
Molecular consequence: missense variant. On other transcripts: non-coding transcript variant (5).
Genome position (GRCh38, 1-based): chr22:31,758,627, A>G. VCF-style: chr22-31758627-A-G. GRCh37 (hg19) VCF-style: chr22-32154613-A-G.
Other names: c.140A>G, p.Glu47Gly (NM_001007188.4, NM_001136029.4, NM_001242897.2 and 9 more transcripts); short protein forms E47G.
Identifiers: ClinVar variation 1034985 (VCV001034985.9), dbSNP rs2082129391, ClinGen allele CA411279047.

ClinVar aggregate classification (germline): Uncertain significance (1 of 4 stars; one submission).

Conditions:
Familial focal epilepsy with variable foci (FPEVF). Identifiers: Orphanet 98820, MedGen C1858477, MONDO:0020310.

Submission:

Labcorp Genetics (formerly Invitae), Labcorp
Classification: Uncertain significance for Familial focal epilepsy with variable foci. Last evaluated: 2020-02-11. Review status: criteria provided, single submitter. Criteria: Invitae Variant Classification Sherloc (09022015). Collection method: clinical testing. Allele origin: germline.
Comment: Algorithms developed to predict the effect of missense changes on protein structure and function are either unavailable or do not agree on the potential impact of this missense change (SIFT: "Deleterious"; PolyPhen-2: "Not Available"; Align-GVGD: "Class C0"). This sequence change replaces glutamic acid with glycine at codon 47 of the DEPDC5 protein (p.Glu47Gly). The glutamic acid residue is highly conserved and there is a moderate physicochemical difference between glutamic acid and glycine. This variant is not present in population databases (ExAC no frequency). This variant has not been reported in the literature in individuals with DEPDC5-related conditions. In summary, the available evidence is currently insufficient to determine the role of this variant in disease. Therefore, it has been classified as a Variant of Uncertain Significance.